The following is an entry in ClinVar:

ClinVar aggregate classification (germline): Uncertain significance (1 of 4 stars; one submission).

Conditions:
Multiple sulfatase deficiency (MSD). Also called: Mucosulfatidosis; Multiple Sulfatase Deficiency Disease; Sulfatidosis, Juvenile, Austin Type. Identifiers: Orphanet 585, MedGen C0268263, MONDO:0010088, OMIM 272200.

Submission:

Labcorp Genetics (formerly Invitae), Labcorp
Classification: Uncertain significance for Multiple sulfatase deficiency. Last evaluated: 2022-08-16. Review status: criteria provided, single submitter. Criteria: Invitae Variant Classification Sherloc (09022015). Collection method: clinical testing. Allele origin: germline.
Comment: This sequence change replaces glutamic acid, which is acidic and polar, with lysine, which is basic and polar, at codon 272 of the SUMF1 protein (p.Glu272Lys). This variant is not present in population databases (gnomAD no frequency). This variant has not been reported in the literature in individuals affected with SUMF1-related conditions. ClinVar contains an entry for this variant (Variation ID: 1415473). Algorithms developed to predict the effect of missense changes on protein structure and function are either unavailable or do not agree on the potential impact of this missense change (SIFT: "Deleterious"; PolyPhen-2: "Benign"; Align-GVGD: "Class C55"). Algorithms developed to predict the effect of sequence changes on RNA splicing suggest that this variant may disrupt the consensus splice site. In summary, the available evidence is currently insufficient to determine the role of this variant in disease. Therefore, it has been classified as a Variant of Uncertain Significance.

NM_182760.4(SUMF1):c.814G>A (p.Glu272Lys)

Gene: SUMF1 (sulfatase modifying factor 1; minus strand). Cytogenetic location: 3p26.1.
Variant type: single nucleotide variant.
Coding change: c.814G>A on transcript NM_182760.4 (MANE Select); coding-DNA position 814, G replaced by A.
Protein change: p.Glu272Lys; replaces glutamic acid 272 with lysine.
Molecular consequence: missense variant.
Genome position (GRCh38, 1-based): chr3:4,417,154, C>T on the plus strand (G>A on the coding strand, the complement: SUMF1 is on the minus strand). VCF-style: chr3-4417154-C-T. GRCh37 (hg19) VCF-style: chr3-4458838-C-T.
Other names: c.739G>A, p.Glu247Lys (NM_001164674.2); c.814G>A, p.Glu272Lys (NM_001164675.2); short protein forms E272K, E247K.
Identifiers: ClinVar variation 1415473 (VCV001415473.3), dbSNP rs2125031724, ClinGen allele CA351632026.